The following is an entry in ClinVar:

ClinVar aggregate classification (germline): Conflicting classifications of pathogenicity. Review status: criteria provided, conflicting classifications (1 of 4 stars). 3 submissions from 3 submitters: Uncertain significance (2); Benign (1). Last evaluated 2026-05-05.

Conditions:
Chuvash polycythemia. Also called: POLYCYTHEMIA, VHL-DEPENDENT. Identifiers: Orphanet 238557, MedGen C1837915, MONDO:0009892, OMIM 263400.
Von Hippel-Lindau syndrome (VHLS). Also called: Von Hippel-Lindau; VHL syndrome; von Hippel–Lindau syndrome. Identifiers: Orphanet 892, MedGen C0019562, MONDO:0008667, OMIM 193300. Disease mechanism: loss of function.
Hereditary cancer-predisposing syndrome. Also called: Tumor predisposition; Hereditary Cancer Syndrome; Neoplastic Syndromes, Hereditary; Hereditary neoplastic syndrome. Identifiers: Orphanet 140162, MedGen C0027672, MeSH D009386, MONDO:0015356.

Allele frequency attached by ClinVar (database versions not stated): gnomAD exomes below 0.00001; TOPMed below 0.00001.

Submissions (3):

Ambry Genetics
Classification: Benign for Hereditary cancer-predisposing syndrome. Last evaluated: 2026-05-05. Review status: criteria provided, single submitter. Criteria: Ambry Variant Classification Scheme 2023. Collection method: clinical testing. Allele origin: germline.

Labcorp Genetics (formerly Invitae), Labcorp
Classification: Uncertain significance for Von Hippel-Lindau syndrome; Chuvash polycythemia. Last evaluated: 2025-03-31. Review status: criteria provided, single submitter. Criteria: Invitae Variant Classification Sherloc (09022015). Collection method: clinical testing. Allele origin: germline.
Comment: This sequence change replaces glycine, which is neutral and non-polar, with tryptophan, which is neutral and slightly polar, at codon 57 of the VHL protein (p.Gly57Trp). This variant is not present in population databases (gnomAD no frequency). This variant has not been reported in the literature in individuals affected with VHL-related conditions. ClinVar contains an entry for this variant (Variation ID: 644898). Invitae Evidence Modeling of protein sequence and biophysical properties (such as structural, functional, and spatial information, amino acid conservation, physicochemical variation, residue mobility, and thermodynamic stability) has been performed for this missense variant. However, the output from this modeling did not meet the statistical confidence thresholds required to predict the impact of this variant on VHL protein function. In summary, the available evidence is currently insufficient to determine the role of this variant in disease. Therefore, it has been classified as a Variant of Uncertain Significance.

Baylor Genetics
Classification: Uncertain significance for Chuvash polycythemia. Last evaluated: 2023-09-06. Review status: criteria provided, single submitter. Criteria: ACMG Guidelines, 2015. Collection method: clinical testing. Allele origin: unknown.

Literature cited by the submitters: PubMed 38969834 (cited by Ambry Genetics).

NM_000551.4(VHL):c.169G>T (p.Gly57Trp)

Gene: VHL (von Hippel-Lindau tumor suppressor; plus strand). Cytogenetic location: 3p25.3.
Variant type: single nucleotide variant.
Coding change: c.169G>T on transcript NM_000551.4 (MANE Select); coding-DNA position 169, G replaced by T.
Protein change: p.Gly57Trp; replaces glycine 57 with tryptophan.
Molecular consequence: missense variant.
Genome position (GRCh38, 1-based): chr3:10,142,016, G>T. VCF-style: chr3-10142016-G-T. GRCh37 (hg19) VCF-style: chr3-10183700-G-T.
Other names: c.169G>T, p.Gly57Trp (NM_001354723.2, NM_198156.3); short protein forms G57W.
Identifiers: ClinVar variation 644898 (VCV000644898.16), dbSNP rs1064795194, ClinGen allele CA351748610.